The following is an entry in ClinVar:

ClinVar aggregate classification (germline): Pathogenic. Review status: criteria provided, multiple submitters, no conflicts (2 of 4 stars). 2 submissions from 2 submitters: Pathogenic (2). Last evaluated 2025-12-27.

Conditions:
NR5A1-related disorder. Also called: NR5A1-related condition.
46 XY differences of sex development. Also called: 46, XY disorder of sex development (DSD); 46,XY disorder of sex development. Identifiers: Orphanet 98085, MedGen C2751824, MONDO:0020040.
Oligosynaptic infertility (SPGF1). Also called: OLIGOCHIASMATIC INFERTILITY; SPERMATOGENIC FAILURE 1. Identifiers: MedGen C0403810, MONDO:0009776, OMIM 258150.

Submissions (2):

Labcorp Genetics (formerly Invitae), Labcorp
Classification: Pathogenic for 46 XY differences of sex development; Oligosynaptic infertility. Last evaluated: 2025-12-27. Review status: criteria provided, single submitter. Criteria: Invitae Variant Classification Sherloc (09022015). Collection method: clinical testing. Allele origin: germline.
Comment: This sequence change creates a premature translational stop signal (p.Gln107*) in the NR5A1 gene. It is expected to result in an absent or disrupted protein product. Loss-of-function variants in NR5A1 are known to be pathogenic (PMID: 10369247, 12907682, 19246354). This variant is not present in population databases (gnomAD no frequency). This premature translational stop signal has been observed in individual(s) with clinical features of gonadal dysgenesis (PMID: 19439508, 30425642). For these reasons, this variant has been classified as Pathogenic.

PreventionGenetics, part of Exact Sciences
Classification: Pathogenic for NR5A1-related condition. Last evaluated: 2025-06-10. Review status: criteria provided, single submitter. Criteria: ACMG Guidelines, 2015. Collection method: clinical testing. Allele origin: germline.
Comment: The NR5A1 c.319C>T variant is predicted to result in premature protein termination (p.Gln107*). This variant has been reported in individuals with disorders of sex development with features of hypospadias and gonadal dysgenesis (Köhler et al. 2009. PubMed ID: 19439508; Song et al. 2018. PubMed ID: 30425642; Wong et al. 2025. PubMed ID: 39936125). This variant has not been reported in a large population database (gnomAD), indicating it is rare. An in vitro experimental study using human embryonic kidney cells suggests this variant has reduced transcriptional activity and altered nuclear localization (Köhler et al. 2009. PubMed ID: 19439508). Nonsense variants in NR5A1 are expected to be pathogenic. This variant is interpreted as pathogenic.

Literature cited by the submitters: PubMed 10369247 (cited by Labcorp Genetics (formerly Invitae), Labcorp); PubMed 12907682 (cited by Labcorp Genetics (formerly Invitae), Labcorp); PubMed 19246354 (cited by Labcorp Genetics (formerly Invitae), Labcorp); PubMed 19439508 (cited by Labcorp Genetics (formerly Invitae), Labcorp); PubMed 30425642 (cited by Labcorp Genetics (formerly Invitae), Labcorp).

NM_004959.5(NR5A1):c.319C>T (p.Gln107Ter)

Gene: NR5A1 (nuclear receptor subfamily 5 group A member 1; minus strand). Cytogenetic location: 9q33.3.
Variant type: single nucleotide variant.
Coding change: c.319C>T on transcript NM_004959.5 (MANE Select); coding-DNA position 319, C replaced by T.
Protein change: p.Gln107Ter; replaces glutamine 107 with a stop codon.
Molecular consequence: nonsense.
Genome position (GRCh38, 1-based): chr9:124,500,641, G>A on the plus strand (C>T on the coding strand, the complement: NR5A1 is on the minus strand). VCF-style: chr9-124500641-G-A. GRCh37 (hg19) VCF-style: chr9-127262920-G-A.
Other names: c.319C>T (NM_004959.4); short protein forms Q107*.
Identifiers: ClinVar variation 4783699 (VCV004783699.2).